The following is an entry in ClinVar:

NM_020708.5(SLC12A5):c.2708_2709del (p.Thr902_Tyr903insTer)

Gene: SLC12A5 (solute carrier family 12 member 5; plus strand). Cytogenetic location: 20q13.12.
Variant type: Deletion.
Coding change: c.2708_2709del on transcript NM_020708.5 (MANE Select); coding-DNA positions 2708 to 2709, 2 bases deleted (AT; older notation c.2708_2709delAT).
Protein change: p.Thr902_Tyr903insTer.
Molecular consequence: nonsense.
Genome position (GRCh38, 1-based): chr20:46,054,944-46,054,945, AT deleted; deleting any 2 consecutive bases within chr20:46,054,943-46,054,945 gives the same sequence; the c. name uses the placement nearest the transcript's 3' end. VCF-style (leftmost placement, unchanged base first): chr20-46054942-CTA-C. GRCh37 (hg19) VCF-style: chr20-44683581-CTA-C.
Other names: c.2777_2778del, p.Thr925_Tyr926insTer (NM_001134771.2).
Identifiers: ClinVar variation 2067002 (VCV002067002.4), dbSNP rs2515652318, ClinGen allele CA2580098267.

ClinVar aggregate classification (germline): Pathogenic (1 of 4 stars; one submission).

Conditions:
Developmental and epileptic encephalopathy, 34 (DEE34). Also called: SLC12A5-Related Epilepsy of Infancy with Migrating Focal Seizures; Early infantile epileptic encephalopathy 34. Identifiers: Orphanet 293181, MedGen C4225257, MONDO:0014718, OMIM 616645.

Submission:

Labcorp Genetics (formerly Invitae), Labcorp
Classification: Pathogenic for Developmental and epileptic encephalopathy, 34. Last evaluated: 2021-12-30. Review status: criteria provided, single submitter. Criteria: Invitae Variant Classification Sherloc (09022015). Collection method: clinical testing. Allele origin: germline.
Comment: This variant has not been reported in the literature in individuals affected with SLC12A5-related conditions. For these reasons, this variant has been classified as Pathogenic. This variant is not present in population databases (gnomAD no frequency). This sequence change creates a premature translational stop signal (p.Tyr903*) in the SLC12A5 gene. It is expected to result in an absent or disrupted protein product. Loss-of-function variants in SLC12A5 are known to be pathogenic (PMID: 26333769, 27436767).

Literature cited by the submitters: PubMed 26333769; PubMed 27436767.